The following is an entry in ClinVar:

NM_004655.4(AXIN2):c.1290C>G (p.Ser430Arg)

Gene: AXIN2 (axin 2; minus strand). Cytogenetic location: 17q24.1.
Variant type: single nucleotide variant.
Coding change: c.1290C>G on transcript NM_004655.4 (MANE Select); coding-DNA position 1290, C replaced by G.
Protein change: p.Ser430Arg; replaces serine 430 with arginine.
Molecular consequence: missense variant.
Genome position (GRCh38, 1-based): chr17:65,537,746, G>C on the plus strand (C>G on the coding strand, the complement: AXIN2 is on the minus strand). VCF-style: chr17-65537746-G-C. GRCh37 (hg19) VCF-style: chr17-63533864-G-C.
Other names: c.1290C>G, p.Ser430Arg (NM_001363813.1); short protein forms S430R.
Identifiers: ClinVar variation 2831825 (VCV002831825.3), dbSNP rs2043959980, ClinGen allele CA400677808.
Genomic context (GRCh38, chr17:65,537,746, plus strand): 5'-AGGGGTCTTGAGGACCCTGGACAGGTGATCGTCCAGTATCGTCTGCGGGTCTTCCTCGTA[G>C]CTGCCGGAGGGCAGTAGGGAGAGGGGGTGCTGCGTGGGCGCCCCCTCCCGCGAATTGAGT-3'
Protein context (NP_004646.3, residues 420-440): QHPLSLLPSG[Ser430Arg]YEEDPQTILD

ClinVar aggregate classification (germline): Uncertain significance (1 of 4 stars; one submission).

Conditions:
Oligodontia-cancer predisposition syndrome. Also called: TOOTH AGENESIS-COLORECTAL CANCER SYNDROME. Identifiers: Orphanet 300576, MedGen C1837750, MONDO:0012075, OMIM 608615. Disease mechanism: loss of function.

Submission:

Labcorp Genetics (formerly Invitae), Labcorp
Classification: Uncertain significance for Oligodontia-cancer predisposition syndrome. Last evaluated: 2023-07-26. Review status: criteria provided, single submitter. Criteria: Invitae Variant Classification Sherloc (09022015). Collection method: clinical testing. Allele origin: germline.
Comment: Algorithms developed to predict the effect of sequence changes on RNA splicing suggest that this variant may create or strengthen a splice site. In summary, the available evidence is currently insufficient to determine the role of this variant in disease. Therefore, it has been classified as a Variant of Uncertain Significance. Advanced modeling of protein sequence and biophysical properties (such as structural, functional, and spatial information, amino acid conservation, physicochemical variation, residue mobility, and thermodynamic stability) performed at Invitae indicates that this missense variant is not expected to disrupt AXIN2 protein function. This variant has not been reported in the literature in individuals affected with AXIN2-related conditions. This variant is not present in population databases (gnomAD no frequency). This sequence change replaces serine, which is neutral and polar, with arginine, which is basic and polar, at codon 430 of the AXIN2 protein (p.Ser430Arg).